The following is an entry in ClinVar:

ClinVar aggregate classification (germline): Benign (1 of 4 stars; one submission).

Conditions:
Glomuvenous malformation. Also called: GLOMANGIOMAS, MULTIPLE; GLOMUS TUMORS, MULTIPLE; VENOUS MALFORMATIONS WITH GLOMUS CELLS; Familial glomangioma. Identifiers: Orphanet 83454, MedGen C1841984, MONDO:0007672, OMIM 138000.

Allele frequency attached by ClinVar (database versions not stated): gnomAD 0.00004 and 0.00036; TOPMed 0.00009; 1000 Genomes Project 30x 0.00219; 1000 Genomes Project 0.00260.
gnomAD v4.1: 304 of 478,074 alleles (0.064%); highest among the groups gnomAD compares: South Asian, 0.97%; 4 homozygotes.

Submission:

Illumina Laboratory Services, Illumina
Classification: Benign for Glomuvenous malformation. Last evaluated: 2018-01-13. Review status: criteria provided, single submitter. Criteria: ICSL Variant Classification Criteria 13 December 2019. Collection method: clinical testing. Allele origin: germline.
Comment: This variant was observed in the ICSL laboratory as part of a predisposition screen in an ostensibly healthy population. It had not been previously curated by ICSL or reported in the Human Gene Mutation Database (HGMD: prior to June 1st, 2018), and was therefore a candidate for classification through an automated scoring system. Utilizing variant allele frequency, disease prevalence and penetrance estimates, and inheritance mode, an automated score was calculated to assess if this variant is too frequent to cause the disease. Based on the score and internal cut-off values, a variant classified as benign is not then subjected to further curation. The score for this variant resulted in a classification of benign for this disease.

NM_053274.3(GLMN):c.-34G>A

Gene: GLMN (glomulin, FKBP associated protein; minus strand). Cytogenetic location: 1p22.1.
Variant type: single nucleotide variant.
Coding change: c.-34G>A on transcript NM_053274.3 (MANE Select); 34 bases upstream of the start codon, G replaced by A.
Molecular consequence: 5 prime UTR variant. On other transcripts: non-coding transcript variant (1).
Genome position (GRCh38, 1-based): chr1:92,298,928, C>T on the plus strand (G>A on the coding strand, the complement: GLMN is on the minus strand). VCF-style: chr1-92298928-C-T. GRCh37 (hg19) VCF-style: chr1-92764485-C-T.
Other names: c.-34G>A (NM_001319683.2).
Identifiers: ClinVar variation 298151 (VCV000298151.5), dbSNP rs556956035, ClinGen allele CA10610406.